The following is an entry in ClinVar:

NM_000337.6(SGCD):c.22A>G (p.Thr8Ala)

Gene: SGCD (sarcoglycan delta; plus strand). Cytogenetic location: 5q33.3.
Variant type: single nucleotide variant.
Coding change: c.22A>G on transcript NM_000337.6 (MANE Select); coding-DNA position 22, A replaced by G.
Protein change: p.Thr8Ala; replaces threonine 8 with alanine.
Molecular consequence: missense variant.
Genome position (GRCh38, 1-based): chr5:156,344,507, A>G. VCF-style: chr5-156344507-A-G. GRCh37 (hg19) VCF-style: chr5-155771517-A-G.
Other names: c.19A>G, p.Thr7Ala (NM_001128209.2); c.22A>G, p.Thr8Ala (NM_172244.3); c.22A>G (NM_000337.5); short protein forms T8A, T7A.
Identifiers: ClinVar variation 500020 (VCV000500020.6), dbSNP rs1554094932, ClinGen allele CA362007536.
Genomic context (GRCh38, chr5:156,344,507, plus strand): 5'-CGGTTTAATGTGAGTGCTTCTCTCTTGCCTCGTTTATTTCAGATGCCTCAGGAGCAGTAC[A>G]CTCACCACCGGAGCACCATGCCTGGCTCTGTGGGGCCACAGGTATACAAGGTGGGGATTT-3'
Protein context (NP_000328.2, residues 1-18): MMPQEQY[Thr8Ala]HHRSTMPGSV

ClinVar aggregate classification (germline): Uncertain significance. Review status: criteria provided, multiple submitters, no conflicts (2 of 4 stars). 2 submissions from 2 submitters: Uncertain significance (2). Last evaluated 2025-04-10.

Conditions:
Inborn genetic diseases. Identifiers: MedGen C0950123, MeSH D030342.

gnomAD v4.1: 8 of 1,603,352 alleles (0.0005%); highest among the groups gnomAD compares: Non-Finnish European, 0.0006%; no homozygotes.

Submissions (2):

Ambry Genetics
Classification: Uncertain significance for Inborn genetic diseases. Last evaluated: 2025-04-10. Review status: criteria provided, single submitter. Criteria: Ambry Variant Classification Scheme 2023. Collection method: clinical testing. Allele origin: germline.
Comment: The p.T8A variant (also known as c.22A>G), located in coding exon 2 of the SGCD gene, results from an A to G substitution at nucleotide position 22. The threonine at codon 8 is replaced by alanine, an amino acid with similar properties. This amino acid position is conserved. In addition, this alteration is predicted to be tolerated by in silico analysis. Based on the available evidence, the clinical significance of this variant remains unclear.

Eurofins Ntd Llc (ga)
Classification: Uncertain significance. Last evaluated: 2017-01-24. Review status: criteria provided, single submitter. Criteria: EGL Classification Definitions 2015. Collection method: clinical testing. Allele origin: germline. Observed: 1 variant allele, 1 heterozygote.